The following is an entry in ClinVar:

ClinVar aggregate classification (germline): Pathogenic (1 of 4 stars; one submission).

Conditions:
Combined immunodeficiency due to DOCK8 deficiency (HIES2). Also called: HIES autosomal recessive; HYPER-IgE RECURRENT INFECTION SYNDROME 2, AUTOSOMAL RECESSIVE; HYPER-IgE SYNDROME 2, AUTOSOMAL RECESSIVE, WITH RECURRENT INFECTIONS; Hyper-IgE recurrent infection syndrome, autosomal recessive; DOCK8 Deficiency. Identifiers: Orphanet 217390, MedGen C4722305, MONDO:0009478, OMIM 243700.

gnomAD v4.1: 4 of 1,607,758 alleles (0.00025%); highest among the groups gnomAD compares: Non-Finnish European, 0.00034%; no homozygotes.

Submission:

Labcorp Genetics (formerly Invitae), Labcorp
Classification: Pathogenic for Combined immunodeficiency due to DOCK8 deficiency. Last evaluated: 2025-12-10. Review status: criteria provided, single submitter. Criteria: Invitae Variant Classification Sherloc (09022015). Collection method: clinical testing. Allele origin: germline.
Comment: This sequence change affects a donor splice site in intron 10 of the DOCK8 gene. It is expected to disrupt RNA splicing. Variants that disrupt the donor or acceptor splice site typically lead to a loss of protein function (PMID: 16199547), and loss-of-function variants in DOCK8 are known to be pathogenic (PMID: 14722525, 19776401). This variant is present in population databases (rs777092009, gnomAD 0.002%). Disruption of this splice site has been observed in individual(s) with DOCK8 deficiency (internal data). In at least one individual the data is consistent with being in trans (on the opposite chromosome) from a pathogenic variant. This variant is also known as 9:g.332479G>A. ClinVar contains an entry for this variant (Variation ID: 1911994). Algorithms developed to predict the effect of sequence changes on RNA splicing suggest that this variant may disrupt the consensus splice site. For these reasons, this variant has been classified as Pathogenic.

Literature cited by the submitters: PubMed 16199547; PubMed 14722525; PubMed 19776401.

NM_203447.4(DOCK8):c.1125+1G>A

Gene: DOCK8 (dedicator of cytokinesis 8; plus strand). Cytogenetic location: 9p24.3.
Variant type: single nucleotide variant.
Coding change: c.1125+1G>A on transcript NM_203447.4 (MANE Select); the canonical splice donor site of the intron after coding-DNA position 1125, G replaced by A.
Molecular consequence: splice donor variant.
Genome position (GRCh38, 1-based): chr9:332,479, G>A. VCF-style: chr9-332479-G-A. GRCh37 (hg19) VCF-style: chr9-332479-G-A.
Other names: c.921+1G>A (NM_001193536.2, NM_001190458.2).
Identifiers: ClinVar variation 1911994 (VCV001911994.5), dbSNP rs777092009, ClinGen allele CA4957607.